The following is an entry in ClinVar:

ClinVar aggregate classification (germline): Pathogenic (1 of 4 stars; one submission).

Conditions:
Combined immunodeficiency due to DOCK8 deficiency (HIES2). Also called: Hyper-IgE recurrent infection syndrome, autosomal recessive; HIES autosomal recessive; DOCK8 Deficiency; HYPER-IgE RECURRENT INFECTION SYNDROME 2, AUTOSOMAL RECESSIVE; HYPER-IgE SYNDROME 2, AUTOSOMAL RECESSIVE, WITH RECURRENT INFECTIONS. Identifiers: Orphanet 217390, MedGen C4722305, MONDO:0009478, OMIM 243700.

Submission:

Labcorp Genetics (formerly Invitae), Labcorp
Classification: Pathogenic for Combined immunodeficiency due to DOCK8 deficiency. Last evaluated: 2021-10-13. Review status: criteria provided, single submitter. Criteria: Invitae Variant Classification Sherloc (09022015). Collection method: clinical testing. Allele origin: germline.
Comment: For these reasons, this variant has been classified as Pathogenic. This variant has not been reported in the literature in individuals affected with DOCK8-related conditions. This variant is not present in population databases (ExAC no frequency). This sequence change creates a premature translational stop signal (p.Gln2039*) in the DOCK8 gene. It is expected to result in an absent or disrupted protein product. Loss-of-function variants in DOCK8 are known to be pathogenic (PMID: 14722525, 19776401).

Literature cited by the submitters: PubMed 14722525; PubMed 19776401.

NM_203447.4(DOCK8):c.6115C>T (p.Gln2039Ter)

Gene: DOCK8 (dedicator of cytokinesis 8; plus strand). Cytogenetic location: 9p24.3.
Variant type: single nucleotide variant.
Coding change: c.6115C>T on transcript NM_203447.4 (MANE Select); coding-DNA position 6115, C replaced by T.
Protein change: p.Gln2039Ter; replaces glutamine 2039 with a stop codon.
Molecular consequence: nonsense.
Genome position (GRCh38, 1-based): chr9:463,563, C>T. VCF-style: chr9-463563-C-T. GRCh37 (hg19) VCF-style: chr9-463563-C-T.
Other names: c.5815C>T, p.Gln1939Ter (NM_001190458.2); c.5911C>T, p.Gln1971Ter (NM_001193536.2); short protein forms Q2039*, Q1939*, Q1971*.
Identifiers: ClinVar variation 1367934 (VCV001367934.6), dbSNP rs2131982095, ClinGen allele CA372751627.